The following is an entry in ClinVar:

NM_018206.6(VPS35):c.1435C>A (p.Pro479Thr)

Gene: VPS35 (VPS35 retromer complex component; minus strand). Cytogenetic location: 16q11.2.
Variant type: single nucleotide variant.
Coding change: c.1435C>A on transcript NM_018206.6 (MANE Select); coding-DNA position 1435, C replaced by A.
Protein change: p.Pro479Thr; replaces proline 479 with threonine.
Molecular consequence: missense variant.
Genome position (GRCh38, 1-based): chr16:46,671,794, G>T on the plus strand (C>A on the coding strand, the complement: VPS35 is on the minus strand). VCF-style: chr16-46671794-G-T. GRCh37 (hg19) VCF-style: chr16-46705706-G-T.
Other names: short protein forms P479T.
Identifiers: ClinVar variation 3670299 (VCV003670299.2).

ClinVar aggregate classification (germline): Uncertain significance (1 of 4 stars; one submission).

Conditions:
Parkinson disease 17 (PARK17). Also called: VPS35-Related Parkinson Disease. Identifiers: Orphanet 411602, MedGen C3280133, MONDO:0013625, OMIM 614203.

gnomAD v4.1: 15 of 1,613,774 alleles (0.00093%); highest among the groups gnomAD compares: South Asian, 0.0022%; no homozygotes.

Submission:

Labcorp Genetics (formerly Invitae), Labcorp
Classification: Uncertain significance for Parkinson disease 17. Last evaluated: 2024-04-09. Review status: criteria provided, single submitter. Criteria: Invitae Variant Classification Sherloc (09022015). Collection method: clinical testing. Allele origin: germline.
Comment: This sequence change replaces proline, which is neutral and non-polar, with threonine, which is neutral and polar, at codon 479 of the VPS35 protein (p.Pro479Thr). This variant is present in population databases (rs759288056, gnomAD 0.002%). This variant has not been reported in the literature in individuals affected with VPS35-related conditions. Advanced modeling of protein sequence and biophysical properties (such as structural, functional, and spatial information, amino acid conservation, physicochemical variation, residue mobility, and thermodynamic stability) performed at Invitae indicates that this missense variant is not expected to disrupt VPS35 protein function with a negative predictive value of 80%. In summary, the available evidence is currently insufficient to determine the role of this variant in disease. Therefore, it has been classified as a Variant of Uncertain Significance.